The following is an entry in ClinVar:

NM_002361.4(MAG):c.1058C>T (p.Pro353Leu)

Gene: MAG (myelin associated glycoprotein; plus strand). Cytogenetic location: 19q13.12.
Variant type: single nucleotide variant.
Coding change: c.1058C>T on transcript NM_002361.4 (MANE Select); coding-DNA position 1058, C replaced by T.
Protein change: p.Pro353Leu; replaces proline 353 with leucine.
Molecular consequence: missense variant.
Genome position (GRCh38, 1-based): chr19:35,302,535, C>T. VCF-style: chr19-35302535-C-T. GRCh37 (hg19) VCF-style: chr19-35793438-C-T.
Other names: c.983C>T, p.Pro328Leu (NM_001199216.2); c.1058C>T, p.Pro353Leu (NM_080600.3); short protein forms P328L, P353L.
Identifiers: ClinVar variation 654572 (VCV000654572.13), dbSNP rs778356275, ClinGen allele CA9376166.

ClinVar aggregate classification (germline): Conflicting classifications of pathogenicity. Review status: criteria provided, conflicting classifications (1 of 4 stars). 2 submissions from 2 submitters: Likely pathogenic (1); Uncertain significance (1). Last evaluated 2024-11-19.

Conditions:
Hereditary spastic paraplegia 75. Also called: Spastic paraplegia 75, autosomal recessive. Identifiers: Orphanet 459056, MedGen C4225250, MONDO:0014729, OMIM 616680.

Allele frequency attached by ClinVar (database versions not stated): gnomAD exomes below 0.00001; ExAC 0.00001; TOPMed 0.00001.

Submissions (2):

Institute of Human Genetics Munich, TUM University Hospital
Classification: Likely pathogenic for Hereditary spastic paraplegia 75. Last evaluated: 2024-11-19. Review status: criteria provided, single submitter. Criteria: Classification criteria August 2017. Collection method: clinical testing. Allele origin: inherited. Inheritance: Autosomal recessive inheritance. Affected: yes. Observed: 1 variant allele.

Labcorp Genetics (formerly Invitae), Labcorp
Classification: Uncertain significance for Hereditary spastic paraplegia 75. Last evaluated: 2024-10-01. Review status: criteria provided, single submitter. Criteria: Invitae Variant Classification Sherloc (09022015). Collection method: clinical testing. Allele origin: germline.
Comment: This sequence change replaces proline, which is neutral and non-polar, with leucine, which is neutral and non-polar, at codon 353 of the MAG protein (p.Pro353Leu). This variant is present in population databases (rs778356275, gnomAD 0.01%). This missense change has been observed in individual(s) with clinical features of hereditary spastic paraplegia (internal data). ClinVar contains an entry for this variant (Variation ID: 654572). Invitae Evidence Modeling of protein sequence and biophysical properties (such as structural, functional, and spatial information, amino acid conservation, physicochemical variation, residue mobility, and thermodynamic stability) has been performed for this missense variant. However, the output from this modeling did not meet the statistical confidence thresholds required to predict the impact of this variant on MAG protein function. In summary, the available evidence is currently insufficient to determine the role of this variant in disease. Therefore, it has been classified as a Variant of Uncertain Significance.